The following is an entry in ClinVar:

ClinVar aggregate classification (germline): Uncertain significance (1 of 4 stars; one submission).

Conditions:
Charcot-Marie-Tooth disease recessive intermediate C. Also called: CHARCOT-MARIE-TOOTH NEUROPATHY, RECESSIVE INTERMEDIATE C. Identifiers: Orphanet 369867, MedGen C3809309, MONDO:0014154, OMIM 615376.
Neuronopathy, distal hereditary motor, autosomal recessive 4. Also called: NEUROPATHY, DISTAL HEREDITARY MOTOR, AUTOSOMAL RECESSIVE 4; Autosomal recessive lower motor neuron disease with childhood onset. Identifiers: Orphanet 206580, MedGen C1970211, MONDO:0012608, OMIM 611067.

Allele frequency attached by ClinVar (database versions not stated): gnomAD exomes below 0.00001; TOPMed below 0.00001; gnomAD 0.00001.

Submission:

Labcorp Genetics (formerly Invitae), Labcorp
Classification: Uncertain significance for Neuronopathy, distal hereditary motor, autosomal recessive 4; Charcot-Marie-Tooth disease recessive intermediate C. Last evaluated: 2018-09-13. Review status: criteria provided, single submitter. Criteria: Invitae Variant Classification Sherloc (09022015). Collection method: clinical testing. Allele origin: germline.
Comment: This variant is not present in population databases (ExAC no frequency). In summary, the available evidence is currently insufficient to determine the role of this variant in disease. Therefore, it has been classified as a Variant of Uncertain Significance. Algorithms developed to predict the effect of missense changes on protein structure and function (SIFT, PolyPhen-2, Align-GVGD) all suggest that this variant is likely to be tolerated, but these predictions have not been confirmed by published functional studies and their clinical significance is uncertain. This variant has not been reported in the literature in individuals with PLEKHG5-related disease. This sequence change replaces proline with leucine at codon 804 of the PLEKHG5 protein (p.Pro804Leu). The proline residue is moderately conserved and there is a moderate physicochemical difference between proline and leucine.

NM_020631.6(PLEKHG5):c.2411C>T (p.Pro804Leu)

Gene: PLEKHG5 (pleckstrin homology and RhoGEF domain containing G5; minus strand). Cytogenetic location: 1p36.31.
Variant type: single nucleotide variant.
Coding change: c.2411C>T on transcript NM_020631.6 (MANE Select); coding-DNA position 2411, C replaced by T.
Protein change: p.Pro804Leu; replaces proline 804 with leucine.
Molecular consequence: missense variant.
Genome position (GRCh38, 1-based): chr1:6,468,425, G>A on the plus strand (C>T on the coding strand, the complement: PLEKHG5 is on the minus strand). VCF-style: chr1-6468425-G-A. GRCh37 (hg19) VCF-style: chr1-6528485-G-A.
Other names: c.2522C>T, p.Pro841Leu (NM_001042663.3, NM_001265592.2); c.2411C>T, p.Pro804Leu (NM_001042664.2, NM_001042665.2, NM_001265594.3 and 1 more transcripts); c.2618C>T, p.Pro873Leu (NM_001265593.2); short protein forms P873L, P804L, P841L.
Identifiers: ClinVar variation 643468 (VCV000643468.7), dbSNP rs1400722803, ClinGen allele CA338117114.
Genomic context (GRCh38, chr1:6,468,425, plus strand): 5'-GGGGAGAGGGTGCCGTAGGCAGAGTCCATGGAGCAGGAGCGGCCGTCCACCGGACCCAGG[G>A]GCAGCAGCTCACTGGTGGGCGTGGCAGATGAGGCAGTGGTGCTGAGAGAGGTCTCATCAG-3'
Protein context (NP_065682.2, residues 794-814): SSATPTSELL[Pro804Leu]LGPVDGRSCS